The following is an entry in ClinVar:

NM_032634.4(PIGO):c.2066G>C (p.Arg689Pro)

Gene: PIGO (phosphatidylinositol glycan anchor biosynthesis class O; minus strand). Cytogenetic location: 9p13.3.
Variant type: single nucleotide variant.
Coding change: c.2066G>C on transcript NM_032634.4 (MANE Select); coding-DNA position 2066, G replaced by C.
Protein change: p.Arg689Pro; replaces arginine 689 with proline.
Molecular consequence: missense variant. On other transcripts: intron variant (2).
Genome position (GRCh38, 1-based): chr9:35,091,821, C>G on the plus strand (G>C on the coding strand, the complement: PIGO is on the minus strand). VCF-style: chr9-35091821-C-G. GRCh37 (hg19) VCF-style: chr9-35091818-C-G.
Other names: c.1345-530G>C (NM_152850.4, NM_001201484.2); short protein forms R689P.
Identifiers: ClinVar variation 1368364 (VCV001368364.6), dbSNP rs771748735, ClinGen allele CA373320856.

ClinVar aggregate classification (germline): Uncertain significance (1 of 4 stars; one submission).

Conditions:
Hyperphosphatasia with impaired intellectual development syndrome 2. Also called: Hyperphosphatasia with intellectual disability syndrome 2; GLYCOSYLPHOSPHATIDYLINOSITOL BIOSYNTHESIS DEFECT 6. Identifiers: Orphanet 247262, MedGen C3553637, MONDO:0013882, OMIM 614749.

Submission:

Labcorp Genetics (formerly Invitae), Labcorp
Classification: Uncertain significance for Hyperphosphatasia with impaired intellectual development syndrome 2. Last evaluated: 2023-07-07. Review status: criteria provided, single submitter. Criteria: Invitae Variant Classification Sherloc (09022015). Collection method: clinical testing. Allele origin: germline.
Comment: In summary, the available evidence is currently insufficient to determine the role of this variant in disease. Therefore, it has been classified as a Variant of Uncertain Significance. An algorithm developed to predict the effect of missense changes on protein structure and function (PolyPhen-2) suggests that this variant is likely to be disruptive. ClinVar contains an entry for this variant (Variation ID: 1368364). This variant has not been reported in the literature in individuals affected with PIGO-related conditions. This variant is not present in population databases (gnomAD no frequency). This sequence change replaces arginine, which is basic and polar, with proline, which is neutral and non-polar, at codon 689 of the PIGO protein (p.Arg689Pro).